The following is an entry in ClinVar:

ClinVar aggregate classification (germline): Uncertain significance. Review status: criteria provided, multiple submitters, no conflicts (2 of 4 stars). 2 submissions from 2 submitters: Uncertain significance (2). Last evaluated 2026-03-26.

Conditions:
Seizures, benign familial infantile, 3 (BFIS3). Also called: CONVULSIONS, BENIGN FAMILIAL INFANTILE, 3; Familial neonatal seizures. Identifiers: Orphanet 140927, Orphanet 306, MedGen C1843140, MONDO:0011904, OMIM 607745.
Developmental and epileptic encephalopathy, 11 (DEE11). Also called: Early infantile epileptic encephalopathy 11. Identifiers: Orphanet 1934, MedGen C3150987, MONDO:0013388, OMIM 613721.

Submissions (2):

GeneDx
Classification: Uncertain significance. Last evaluated: 2026-03-26. Review status: criteria provided, single submitter. Criteria: GeneDx Variant Classification Process June 2021. Collection method: clinical testing. Allele origin: germline.
Comment: Not observed at significant frequency in large population cohorts (gnomAD); In-frame deletion of 2 amino acid(s) in a non-repeat region; In silico analysis supports a deleterious effect on protein structure/function; Has not been previously published as pathogenic or benign to our knowledge

Labcorp Genetics (formerly Invitae), Labcorp
Classification: Uncertain significance for Seizures, benign familial infantile, 3; Developmental and epileptic encephalopathy, 11. Last evaluated: 2024-06-26. Review status: criteria provided, single submitter. Criteria: Invitae Variant Classification Sherloc (09022015). Collection method: clinical testing. Allele origin: germline.
Comment: This variant, c.5866_5871del, results in the deletion of 2 amino acid(s) of the SCN2A protein (p.Glu1956_Asn1957del), but otherwise preserves the integrity of the reading frame. This variant is not present in population databases (gnomAD no frequency). This variant has not been reported in the literature in individuals affected with SCN2A-related conditions. ClinVar contains an entry for this variant (Variation ID: 2577820). Experimental studies and prediction algorithms are not available or were not evaluated, and the functional significance of this variant is currently unknown. In summary, the available evidence is currently insufficient to determine the role of this variant in disease. Therefore, it has been classified as a Variant of Uncertain Significance.

NM_001040142.2(SCN2A):c.5866_5871del (p.Glu1956_Asn1957del)

Gene: SCN2A (sodium voltage-gated channel alpha subunit 2; plus strand). Cytogenetic location: 2q24.3.
Variant type: Deletion.
Coding change: c.5866_5871del on transcript NM_001040142.2 (MANE Select); coding-DNA positions 5866 to 5871, 6 bases deleted (GAGAAT; older notation c.5866_5871delGAGAAT).
Protein change: p.Glu1956_Asn1957del.
Molecular consequence: inframe deletion.
Genome position (GRCh38, 1-based): chr2:165,389,672-165,389,677, GAGAAT deleted; deleting any 6 consecutive bases within chr2:165,389,668-165,389,677 gives the same sequence; the c. name uses the placement nearest the transcript's 3' end. VCF-style (leftmost placement, unchanged base first): chr2-165389667-TGAATGA-T. GRCh37 (hg19) VCF-style: chr2-166246177-TGAATGA-T.
Other names: c.5866_5871del, p.Glu1956_Asn1957del (NM_001040143.2, NM_001371246.1, NM_001371247.1 and 1 more transcripts).
Identifiers: ClinVar variation 2577820 (VCV002577820.4), dbSNP rs1574754497, ClinGen allele CA916699688.
Genomic context (GRCh38, chr2:165,389,667, plus strand): 5'-AAGACAAAGGCAAAGAATGTGATGGAACACCCATCAAAGAAGATACTCTCATTGATAAAC[TGAATGA>T]GAATTCAACTCCAGAGAAAACCGATATGACGCCTTCCACCACGTCTCCACCCTCGTATGA-3'